The following is an entry in ClinVar:

NC_000010.11:g.(?_43077064)_(43077341_?)dup

Gene: RET (ret proto-oncogene; plus strand). Cytogenetic location: 10q11.21.
Variant type: Duplication.
Identifiers: ClinVar variation 830573 (VCV000830573.2).

ClinVar aggregate classification (germline): Uncertain significance (1 of 4 stars; one submission).

Conditions:
Multiple endocrine neoplasia, type 2 (MEN2). Identifiers: Orphanet 653, MedGen C4048306, MONDO:0019003. Disease mechanism: gain of function.

Submission:

Labcorp Genetics (formerly Invitae), Labcorp
Classification: Uncertain significance for Multiple endocrine neoplasia, type 2. Last evaluated: 2022-09-06. Review status: criteria provided, single submitter. Criteria: Invitae Variant Classification Sherloc (09022015). Collection method: clinical testing. Allele origin: germline.
Comment: This variant results in a copy number gain of the genomic region encompassing exon(s) 1 of the RET gene. This region includes the initiator codon of the gene. This copy number gain extends beyond the assayed region for this gene and therefore may encompass additional genes. As the precise location of this event is unknown, it may be in tandem or it may be located elsewhere in the genome. This variant has not been reported in the literature in individuals affected with RET-related conditions. Experimental studies and prediction algorithms are not available or were not evaluated, and the functional significance of this variant is currently unknown. In summary, the available evidence is currently insufficient to determine the role of this variant in disease. Therefore, it has been classified as a Variant of Uncertain Significance.